The following is an entry in ClinVar:

NM_001010892.3(RSPH4A):c.152C>G (p.Thr51Ser)

Genes: RSPH4A (radial spoke head component 4A; plus strand), LOC129997052 (ATAC-STARR-seq lymphoblastoid active region 24998; plus strand). Cytogenetic location: 6q22.1.
Variant type: single nucleotide variant.
Coding change: c.152C>G on transcript NM_001010892.3 (MANE Select); coding-DNA position 152, C replaced by G.
Protein change: p.Thr51Ser; replaces threonine 51 with serine.
Molecular consequence: missense variant.
Genome position (GRCh38, 1-based): chr6:116,616,775, C>G. VCF-style: chr6-116616775-C-G. GRCh37 (hg19) VCF-style: chr6-116937938-C-G.
Other names: c.152C>G, p.Thr51Ser (NM_001161664.2); short protein forms T51S.
Identifiers: ClinVar variation 1421348 (VCV001421348.8), dbSNP rs373900879, ClinGen allele CA3970709.

ClinVar aggregate classification (germline): Uncertain significance (1 of 4 stars; one submission).

Conditions:
Primary ciliary dyskinesia. Also called: Ciliary dyskinesia. Identifiers: Orphanet 244, MedGen C0008780, MONDO:0016575, HP:0012265.

Allele frequency attached by ClinVar (database versions not stated): gnomAD exomes below 0.00001; TOPMed below 0.00001; ExAC 0.00001; ESP Exome Variant Server 0.00008.

Submission:

Labcorp Genetics (formerly Invitae), Labcorp
Classification: Uncertain significance for Primary ciliary dyskinesia. Last evaluated: 2023-10-13. Review status: criteria provided, single submitter. Criteria: Invitae Variant Classification Sherloc (09022015). Collection method: clinical testing. Allele origin: germline.
Comment: This sequence change replaces threonine, which is neutral and polar, with serine, which is neutral and polar, at codon 51 of the RSPH4A protein (p.Thr51Ser). This variant is present in population databases (rs373900879, gnomAD 0.007%). This variant has not been reported in the literature in individuals affected with RSPH4A-related conditions. ClinVar contains an entry for this variant (Variation ID: 1421348). Algorithms developed to predict the effect of missense changes on protein structure and function output the following: SIFT: "Not Available"; PolyPhen-2: "Benign"; Align-GVGD: "Not Available". The serine amino acid residue is found in multiple mammalian species, which suggests that this missense change does not adversely affect protein function. In summary, the available evidence is currently insufficient to determine the role of this variant in disease. Therefore, it has been classified as a Variant of Uncertain Significance.